The following is an entry in ClinVar:

NM_015585.4(CFAP61):c.269A>C (p.Glu90Ala)

Gene: CFAP61 (cilia and flagella associated protein 61; plus strand). Cytogenetic location: 20p11.23.
Variant type: single nucleotide variant.
Coding change: c.269A>C on transcript NM_015585.4 (MANE Select); coding-DNA position 269, A replaced by C.
Protein change: p.Glu90Ala; replaces glutamic acid 90 with alanine.
Molecular consequence: missense variant.
Genome position (GRCh38, 1-based): chr20:20,070,979, A>C. VCF-style: chr20-20070979-A-C. GRCh37 (hg19) VCF-style: chr20-20051623-A-C.
Other names: c.269A>C, p.Glu90Ala (NM_001167816.1); c.269A>C (NM_015585.3); short protein forms E90A.
Identifiers: ClinVar variation 2652230 (VCV002652230.24), dbSNP rs199790525, ClinGen allele CA9781382.

ClinVar aggregate classification (germline): Conflicting classifications of pathogenicity. Review status: criteria provided, conflicting classifications (1 of 4 stars). 2 submissions from 2 submitters: Uncertain significance (1); Likely benign (1). Last evaluated 2025-05-18.

Allele frequency attached by ClinVar (database versions not stated): gnomAD exomes 0.00001; ExAC 0.00005; ESP Exome Variant Server 0.00008; gnomAD 0.00013; TOPMed 0.00013; 1000 Genomes Project 30x 0.00016; 1000 Genomes Project 0.00020.
gnomAD v4.1: 37 of 1,614,104 alleles (0.0023%); highest among the groups gnomAD compares: African/African-American, 0.041%; no homozygotes.

Submissions (2):

Ambry Genetics
Classification: Uncertain significance. Last evaluated: 2025-05-18. Review status: criteria provided, single submitter. Criteria: Ambry Variant Classification Scheme 2023. Collection method: clinical testing. Allele origin: germline.

CeGaT Center for Human Genetics Tuebingen
Classification: Likely benign. Last evaluated: 2023-01-01. Review status: criteria provided, single submitter. Criteria: CeGaT Center For Human Genetics Tuebingen Variant Classification Criteria Version 2. Collection method: clinical testing. Allele origin: germline. Affected: yes. Observed: 1 variant allele.
Comment: CFAP61: BP4